The following is an entry in ClinVar:

NM_001098668.4(SFTPA2):c.167C>T (p.Pro56Leu)

Gene: SFTPA2 (surfactant protein A2; minus strand). Cytogenetic location: 10q22.3.
Variant type: single nucleotide variant.
Coding change: c.167C>T on transcript NM_001098668.4 (MANE Select); coding-DNA position 167, C replaced by T.
Protein change: p.Pro56Leu; replaces proline 56 with leucine.
Molecular consequence: missense variant.
Genome position (GRCh38, 1-based): chr10:79,559,317, G>A on the plus strand (C>T on the coding strand, the complement: SFTPA2 is on the minus strand). VCF-style: chr10-79559317-G-A. GRCh37 (hg19) VCF-style: chr10-81319073-G-A.
Other names: c.167C>T, p.Pro56Leu (NM_001320813.2); c.197C>T, p.Pro66Leu (NM_001320814.1); short protein forms P56L, P66L.
Identifiers: ClinVar variation 3044729 (VCV003044729.2), dbSNP rs764760089, ClinGen allele CA5574189.

ClinVar aggregate classification (germline): Uncertain significance (0 of 4 stars; one submission).

Conditions:
SFTPA2-related disorder. Also called: SFTPA2-related condition.

Allele frequency attached by ClinVar (database versions not stated): TOPMed 0.00001; gnomAD exomes 0.00002; ExAC 0.00004.

Submission:

PreventionGenetics, part of Exact Sciences
Classification: Uncertain significance for SFTPA2-related condition. Last evaluated: 2024-01-11. Review status: no assertion criteria provided. Collection method: clinical testing. Allele origin: germline.
Comment: The SFTPA2 c.167C>T variant is predicted to result in the amino acid substitution p.Pro56Leu. To our knowledge, this variant has not been reported in the literature. This variant is reported in 0.017% of alleles in individuals of Latino descent in gnomAD. At this time, the clinical significance of this variant is uncertain due to the absence of conclusive functional and genetic evidence.